The following is an entry in ClinVar:

NM_001111.5(ADAR):c.3173A>G (p.Gln1058Arg)

Gene: ADAR (adenosine deaminase RNA specific; minus strand). Cytogenetic location: 1q21.3.
Variant type: single nucleotide variant.
Coding change: c.3173A>G on transcript NM_001111.5 (MANE Select); coding-DNA position 3173, A replaced by G.
Protein change: p.Gln1058Arg; replaces glutamine 1058 with arginine.
Molecular consequence: missense variant.
Genome position (GRCh38, 1-based): chr1:154,586,210, T>C on the plus strand (A>G on the coding strand, the complement: ADAR is on the minus strand). VCF-style: chr1-154586210-T-C. GRCh37 (hg19) VCF-style: chr1-154558686-T-C.
Other names: c.2288A>G, p.Gln763Arg (NM_001025107.3, NM_001193495.2, NM_001365046.1 and 2 more transcripts); c.3200A>G, p.Gln1067Arg (NM_001365045.1); c.2210A>G, p.Gln737Arg (NM_001365049.1); c.3095A>G, p.Gln1032Arg (NM_015840.4); c.3038A>G, p.Gln1013Arg (NM_015841.4); short protein forms Q1058R, Q1067R, Q737R, Q763R, Q1032R, Q1013R.
Identifiers: ClinVar variation 4782703 (VCV004782703.1).

ClinVar aggregate classification (germline): Uncertain significance (1 of 4 stars; one submission).

Conditions:
Aicardi-Goutieres syndrome 6 (AGS6). Identifiers: Orphanet 51, MedGen C3539013, MONDO:0014007, OMIM 615010.
Symmetrical dyschromatosis of extremities (DSH). Also called: Dyschromatosis symmetrica hereditaria; DYSCHROMATOSIS SYMMETRICA HEREDITARIA 1; RETICULATE ACROPIGMENTATION OF DOHI; SYMMETRIC DYSCHROMATOSIS OF THE EXTREMITIES. Identifiers: Orphanet 41, MedGen C0406775, MONDO:0007483, OMIM 127400.

Submission:

Labcorp Genetics (formerly Invitae), Labcorp
Classification: Uncertain significance for Aicardi-Goutieres syndrome 6; Symmetrical dyschromatosis of extremities. Last evaluated: 2025-06-19. Review status: criteria provided, single submitter. Criteria: Invitae Variant Classification Sherloc (09022015). Collection method: clinical testing. Allele origin: germline.
Comment: This sequence change replaces glutamine, which is neutral and polar, with arginine, which is basic and polar, at codon 1058 of the ADAR protein (p.Gln1058Arg). This variant is not present in population databases (gnomAD no frequency). This variant has not been reported in the literature in individuals affected with ADAR-related conditions. Invitae Evidence Modeling of protein sequence and biophysical properties (such as structural, functional, and spatial information, amino acid conservation, physicochemical variation, residue mobility, and thermodynamic stability) indicates that this missense variant is not expected to disrupt ADAR protein function with a negative predictive value of 80%. In summary, the available evidence is currently insufficient to determine the role of this variant in disease. Therefore, it has been classified as a Variant of Uncertain Significance.